The following is an entry in ClinVar:

NM_006904.7(PRKDC):c.3896A>G (p.Glu1299Gly)

Gene: PRKDC (protein kinase, DNA-activated, catalytic subunit; minus strand). Cytogenetic location: 8q11.21.
Variant type: single nucleotide variant.
Coding change: c.3896A>G on transcript NM_006904.7 (MANE Select); coding-DNA position 3896, A replaced by G.
Protein change: p.Glu1299Gly; replaces glutamic acid 1299 with glycine.
Molecular consequence: missense variant.
Genome position (GRCh38, 1-based): chr8:47,890,432, T>C on the plus strand (A>G on the coding strand, the complement: PRKDC is on the minus strand). VCF-style: chr8-47890432-T-C. GRCh37 (hg19) VCF-style: chr8-48802993-T-C.
Other names: c.3896A>G, p.Glu1299Gly (NM_001081640.2); short protein forms E1299G.
Identifiers: ClinVar variation 1478594 (VCV001478594.6), dbSNP rs1276669818, ClinGen allele CA371149085.

ClinVar aggregate classification (germline): Uncertain significance. Review status: criteria provided, multiple submitters, no conflicts (2 of 4 stars). 2 submissions from 2 submitters: Uncertain significance (2). Last evaluated 2022-08-09.

Conditions:
Severe combined immunodeficiency due to DNA-PKcs deficiency. Also called: IMMUNODEFICIENCY 26 WITH NEUROLOGIC ABNORMALITIES; Immunodeficiency 26 with or without neurologic abnormalities. Identifiers: Orphanet 317425, MedGen C4014833, MONDO:0014423, OMIM 615966.

Allele frequency attached by ClinVar (database versions not stated): gnomAD exomes below 0.00001.

Submissions (2):

Labcorp Genetics (formerly Invitae), Labcorp
Classification: Uncertain significance for Severe combined immunodeficiency due to DNA-PKcs deficiency. Last evaluated: 2022-08-09. Review status: criteria provided, single submitter. Criteria: Invitae Variant Classification Sherloc (09022015). Collection method: clinical testing. Allele origin: germline.
Comment: This sequence change replaces glutamic acid with glycine at codon 1299 of the PRKDC protein (p.Glu1299Gly). The glutamic acid residue is moderately conserved and there is a moderate physicochemical difference between glutamic acid and glycine. In summary, the available evidence is currently insufficient to determine the role of this variant in disease. Therefore, it has been classified as a Variant of Uncertain Significance. Algorithms developed to predict the effect of sequence changes on RNA splicing suggest that this variant may create or strengthen a splice site. Experimental studies and prediction algorithms are not available or were not evaluated, and the functional significance of this variant is currently unknown. ClinVar contains an entry for this variant (Variation ID: 1478594). This variant has not been reported in the literature in individuals affected with PRKDC-related conditions. This variant is present in population databases (no rsID available, gnomAD 0.007%).

Ambry Genetics
Classification: Uncertain significance. Last evaluated: 2022-05-11. Review status: criteria provided, single submitter. Criteria: Ambry Variant Classification Scheme 2023. Collection method: clinical testing. Allele origin: germline.
Comment: The p.E1299G variant (also known as c.3896A>G), located in coding exon 32 of the PRKDC gene, results from an A to G substitution at nucleotide position 3896. The glutamic acid at codon 1299 is replaced by glycine, an amino acid with similar properties. This amino acid position is conserved. Since supporting evidence is limited at this time, the clinical significance of this alteration remains unclear.